The following is an entry in ClinVar:

NM_001122681.2(SH3BP2):c.478G>C (p.Val160Leu)

Gene: SH3BP2 (SH3 domain binding protein 2; plus strand). Cytogenetic location: 4p16.3.
Variant type: single nucleotide variant.
Coding change: c.478G>C on transcript NM_001122681.2 (MANE Select); coding-DNA position 478, G replaced by C.
Protein change: p.Val160Leu; replaces valine 160 with leucine.
Molecular consequence: missense variant.
Genome position (GRCh38, 1-based): chr4:2,827,279, G>C. VCF-style: chr4-2827279-G-C. GRCh37 (hg19) VCF-style: chr4-2829006-G-C.
Other names: c.562G>C, p.Val188Leu (NM_001145855.2); c.649G>C, p.Val217Leu (NM_001145856.2); c.478G>C, p.Val160Leu (NM_003023.4); short protein forms V217L, V160L, V188L.
Identifiers: ClinVar variation 961536 (VCV000961536.9), dbSNP rs773270775, ClinGen allele CA2819188.

ClinVar aggregate classification (germline): Uncertain significance (1 of 4 stars; one submission).

Conditions:
Fibrous dysplasia of jaw (CRBM). Also called: Cherubism. Identifiers: Orphanet 184, MedGen C0008029, MONDO:0007315, OMIM 118400.

Allele frequency attached by ClinVar (database versions not stated): gnomAD exomes below 0.00001; ExAC 0.00001.
gnomAD v4.1: 7 of 1,614,214 alleles (0.00043%); highest among the groups gnomAD compares: Non-Finnish European, 0.00059%; no homozygotes.

Submission:

Labcorp Genetics (formerly Invitae), Labcorp
Classification: Uncertain significance for Fibrous dysplasia of jaw. Last evaluated: 2023-01-18. Review status: criteria provided, single submitter. Criteria: Invitae Variant Classification Sherloc (09022015). Collection method: clinical testing. Allele origin: germline.
Comment: This variant is present in population databases (rs773270775, gnomAD 0.0009%). This sequence change replaces valine, which is neutral and non-polar, with leucine, which is neutral and non-polar, at codon 160 of the SH3BP2 protein (p.Val160Leu). This variant has not been reported in the literature in individuals affected with SH3BP2-related conditions. In summary, the available evidence is currently insufficient to determine the role of this variant in disease. Therefore, it has been classified as a Variant of Uncertain Significance. Advanced modeling of protein sequence and biophysical properties (such as structural, functional, and spatial information, amino acid conservation, physicochemical variation, residue mobility, and thermodynamic stability) performed at Invitae indicates that this missense variant is not expected to disrupt SH3BP2 protein function. ClinVar contains an entry for this variant (Variation ID: 961536).